The following is an entry in ClinVar:

ClinVar aggregate classification (germline): Uncertain significance (1 of 4 stars; one submission).

Submission:

GeneDx
Classification: Uncertain significance. Last evaluated: 2020-01-30. Review status: criteria provided, single submitter. Criteria: GeneDx Variant Classification Process June 2021. Collection method: clinical testing. Allele origin: germline. Affected: yes.
Comment: Not observed in large population cohorts (Lek et al., 2016); The majority of missense variants in this gene are considered pathogenic (Stenson et al., 2014); In silico analysis, which includes protein predictors and evolutionary conservation, supports a deleterious effect; Has not been previously published as pathogenic or benign to our knowledge

NM_006306.4(SMC1A):c.986G>T (p.Arg329Leu)

Gene: SMC1A (structural maintenance of chromosomes 1A; minus strand). Cytogenetic location: Xp11.22.
Variant type: single nucleotide variant.
Coding change: c.986G>T on transcript NM_006306.4 (MANE Select); coding-DNA position 986, G replaced by T.
Protein change: p.Arg329Leu; replaces arginine 329 with leucine.
Molecular consequence: missense variant.
Genome position (GRCh38, 1-based): chrX:53,412,122, C>A on the plus strand (G>T on the coding strand, the complement: SMC1A is on the minus strand). VCF-style: chrX-53412122-C-A. GRCh37 (hg19) VCF-style: chrX-53439072-C-A.
Other names: c.920G>T, p.Arg307Leu (NM_001281463.1); short protein forms R307L, R329L.
Identifiers: ClinVar variation 1314104 (VCV001314104.2), dbSNP rs782449052, ClinGen allele CA413257570.